The following is an entry in ClinVar:

NM_003322.6(TULP1):c.1112+1G>C

Gene: TULP1 (TUB like protein 1; minus strand). Cytogenetic location: 6p21.31.
Variant type: single nucleotide variant.
Coding change: c.1112+1G>C on transcript NM_003322.6 (MANE Select); the canonical splice donor site of the intron after coding-DNA position 1112, G replaced by C.
Molecular consequence: splice donor variant.
Genome position (GRCh38, 1-based): chr6:35,505,740, C>G on the plus strand (G>C on the coding strand, the complement: TULP1 is on the minus strand). VCF-style: chr6-35505740-C-G. GRCh37 (hg19) VCF-style: chr6-35473517-C-G.
Other names: c.953+1G>C (NM_001289395.2).
Identifiers: ClinVar variation 3776227 (VCV003776227.1).

ClinVar aggregate classification (germline): Likely pathogenic (1 of 4 stars; one submission).

Conditions:
Retinitis pigmentosa 14 (RP14). Also called: RETINITIS PIGMENTOSA, JUVENILE, TULP1-RELATED. Identifiers: Orphanet 791, MedGen C1838603, MONDO:0010827, OMIM 600132.

Submission:

3billion
Classification: Likely pathogenic for Retinitis pigmentosa 14. Last evaluated: 2023-09-14. Review status: criteria provided, single submitter. Criteria: ACMG Guidelines, 2015. Collection method: clinical testing. Allele origin: germline. Affected: yes.
Comment: The variant is not observed in the gnomAD v2.1.1 dataset. Predicted Consequence/Location: Canonical splice site: predicted to alter splicing and result in a loss or disruption of normal protein function. Multiple pathogenic loss-of-function variants are reported downstream of the variant. Therefore, this variant is classified as Likely pathogenic according to the recommendation of ACMG/AMP guideline.